The following is an entry in ClinVar:

NM_001384140.1(PCDH15):c.1306-3A>G

Gene: PCDH15 (protocadherin related 15; minus strand). Cytogenetic location: 10q21.1.
Variant type: single nucleotide variant.
Coding change: c.1306-3A>G on transcript NM_001384140.1 (MANE Select); 3 bases into the intron before coding-DNA position 1306, A replaced by G.
Molecular consequence: intron variant.
Genome position (GRCh38, 1-based): chr10:54,185,271, T>C on the plus strand (A>G on the coding strand, the complement: PCDH15 is on the minus strand). VCF-style: chr10-54185271-T-C. GRCh37 (hg19) VCF-style: chr10-55945031-T-C.
Other names: c.1306-3A>G (NM_001354420.2, NM_001354429.2, NM_001142772.2 and 6 more transcripts); c.1321-3A>G (NM_001142771.2, NM_001142763.2); c.1327-3A>G (NM_001354411.2); c.1342-3A>G (NM_001142769.3); c.1240-3A>G (NM_001354404.2, NM_001142773.2, NM_001142768.2); c.1195-3A>G (NM_001142767.2).
Identifiers: ClinVar variation 1396203 (VCV001396203.3), dbSNP rs2133818771, ClinGen allele CA2573145146.

ClinVar aggregate classification (germline): Uncertain significance (1 of 4 stars; one submission).

Submission:

Labcorp Genetics (formerly Invitae), Labcorp
Classification: Uncertain significance. Last evaluated: 2021-12-03. Review status: criteria provided, single submitter. Criteria: Invitae Variant Classification Sherloc (09022015). Collection method: clinical testing. Allele origin: germline.
Comment: This sequence change falls in intron 11 of the PCDH15 gene. It does not directly change the encoded amino acid sequence of the PCDH15 protein. It affects a nucleotide within the consensus splice site. This variant is not present in population databases (gnomAD no frequency). This variant has not been reported in the literature in individuals affected with PCDH15-related conditions. Variants that disrupt the consensus splice site are a relatively common cause of aberrant splicing (PMID: 17576681, 9536098). Algorithms developed to predict the effect of sequence changes on RNA splicing suggest that this variant may disrupt the consensus splice site. In summary, the available evidence is currently insufficient to determine the role of this variant in disease. Therefore, it has been classified as a Variant of Uncertain Significance.

Literature cited by the submitters: PubMed 17576681; PubMed 9536098.